The following is an entry in ClinVar:

NM_000628.5(IL10RB):c.284A>T (p.Asp95Val)

Genes: IFNAR2-IL10RB (IFNAR2-IL10RB readthrough; plus strand), IL10RB (interleukin 10 receptor subunit beta; plus strand). Cytogenetic location: 21q22.11.
Variant type: single nucleotide variant.
Coding change: c.284A>T on transcript NM_000628.5 (MANE Select); coding-DNA position 284, A replaced by T.
Protein change: p.Asp95Val; replaces aspartic acid 95 with valine.
Molecular consequence: missense variant.
Genome position (GRCh38, 1-based): chr21:33,276,706, A>T. VCF-style: chr21-33276706-A-T. GRCh37 (hg19) VCF-style: chr21-34649011-A-T.
Other names: c.284A>T, p.Asp95Val (NM_001405849.1, NM_001405850.1, NM_001406840.1); short protein forms D95V.
Identifiers: ClinVar variation 1713470 (VCV001713470.6), dbSNP rs759235490, ClinGen allele CA10006110.

ClinVar aggregate classification (germline): Uncertain significance (1 of 4 stars; one submission).

Conditions:
Inflammatory bowel disease 25. Also called: Inflammatory bowel disease 25, early onset, autosomal recessive. Identifiers: Orphanet 238569, MedGen C2675508, MONDO:0012941, OMIM 612567.

Allele frequency attached by ClinVar (database versions not stated): ExAC 0.00001.
gnomAD v4.1: 2 of 1,614,062 alleles (0.00012%); highest among the groups gnomAD compares: Admixed American, 0.0033%; no homozygotes.

Submission:

Labcorp Genetics (formerly Invitae), Labcorp
Classification: Uncertain significance for Inflammatory bowel disease 25. Last evaluated: 2023-07-28. Review status: criteria provided, single submitter. Criteria: Invitae Variant Classification Sherloc (09022015). Collection method: clinical testing. Allele origin: germline.
Comment: This variant is present in population databases (rs759235490, gnomAD 0.006%). This variant has not been reported in the literature in individuals affected with IL10RB-related conditions. ClinVar contains an entry for this variant (Variation ID: 1713470). Advanced modeling of protein sequence and biophysical properties (such as structural, functional, and spatial information, amino acid conservation, physicochemical variation, residue mobility, and thermodynamic stability) has been performed at Invitae for this missense variant, however the output from this modeling did not meet the statistical confidence thresholds required to predict the impact of this variant on IL10RB protein function. In summary, the available evidence is currently insufficient to determine the role of this variant in disease. Therefore, it has been classified as a Variant of Uncertain Significance. This sequence change replaces aspartic acid, which is acidic and polar, with valine, which is neutral and non-polar, at codon 95 of the IL10RB protein (p.Asp95Val).